The following is an entry in ClinVar:

ClinVar aggregate classification (germline): Likely benign. Review status: criteria provided, multiple submitters, no conflicts (2 of 4 stars). 2 submissions from 2 submitters: Likely benign (2). Last evaluated 2025-05-15.

Conditions:
CREBBP-related disorder. Also called: CREBBP-related disorders; CREBBP-related condition.
Rubinstein-Taybi syndrome (RSTS). Identifiers: Orphanet 783, MedGen C0035934, MONDO:0019188.

Allele frequency attached by ClinVar (database versions not stated): gnomAD exomes 0.00001; ExAC 0.00002; gnomAD 0.00003; TOPMed 0.00004; ESP Exome Variant Server 0.00008.
gnomAD v4.1: 28 of 1,614,074 alleles (0.0017%); highest among the groups gnomAD compares: African/African-American, 0.004%; no homozygotes.

Submissions (2):

PreventionGenetics, part of Exact Sciences
Classification: Likely benign for CREBBP-related condition. Last evaluated: 2025-05-15. Review status: criteria provided, single submitter. Criteria: ACMG Guidelines, 2015. Collection method: clinical testing. Allele origin: germline.
Comment: This variant is classified as likely benign based on ACMG/AMP sequence variant interpretation guidelines (Richards et al. 2015 PMID: 25741868, with internal and published modifications).

Labcorp Genetics (formerly Invitae), Labcorp
Classification: Likely benign for Rubinstein-Taybi syndrome. Last evaluated: 2022-06-11. Review status: criteria provided, single submitter. Criteria: Invitae Variant Classification Sherloc (09022015). Collection method: clinical testing. Allele origin: germline.

NM_004380.3(CREBBP):c.4278G>A (p.Thr1426=)

Gene: CREBBP (CREB binding lysine acetyltransferase; minus strand). Cytogenetic location: 16p13.3.
Variant type: single nucleotide variant.
Coding change: c.4278G>A on transcript NM_004380.3 (MANE Select); coding-DNA position 4278, G replaced by A.
Protein change: p.Thr1426=; no amino-acid change (threonine 1426 retained).
Molecular consequence: synonymous variant.
Genome position (GRCh38, 1-based): chr16:3,739,580, C>T on the plus strand (G>A on the coding strand, the complement: CREBBP is on the minus strand). VCF-style: chr16-3739580-C-T. GRCh37 (hg19) VCF-style: chr16-3789581-C-T.
Other names: c.4278G>A (NM_004380.2); c.4164G>A, p.Thr1388= (NM_001079846.1).
Identifiers: ClinVar variation 1923917 (VCV001923917.6), dbSNP rs369225460, ClinGen allele CA7869574.